The following is an entry in ClinVar:

NM_016239.4(MYO15A):c.4038+7_4038+8del

Gene: MYO15A (myosin XVA; plus strand). Cytogenetic location: 17p11.2.
Variant type: Deletion.
Coding change: c.4038+7_4038+8del on transcript NM_016239.4 (MANE Select); bases 7 to 8 of the intron after coding-DNA position 4038, 2 bases deleted (AG; older notation c.4038+7_4038+8delAG).
Molecular consequence: intron variant.
Genome position (GRCh38, 1-based): chr17:18,130,817-18,130,818, AG deleted. VCF-style (leftmost placement, unchanged base first): chr17-18130816-CAG-C. GRCh37 (hg19) VCF-style: chr17-18034130-CAG-C.
Identifiers: ClinVar variation 164518 (VCV000164518.4), dbSNP rs1555542172, ClinGen allele CA177221.

ClinVar aggregate classification (germline): Likely benign (1 of 4 stars; one submission).

Submission:

Laboratory for Molecular Medicine, Mass General Brigham Personalized Medicine
Classification: Likely benign. Last evaluated: 2014-04-12. Review status: criteria provided, single submitter. Criteria: LMM Criteria. Collection method: clinical testing. Allele origin: germline. Observed: 1 variant allele.
Comment: 4038+7_4038+8del variant in intron 8 of MYO15A: This variant is not expected to have clinical significance because it is not located within the splice consensus sequence and has been identified in 0.15% (12/7996) European American chromosom es and in 0.23% (9/3964) African American chromosomes by the NHLBI Exome Sequenc ing Project.